The following is an entry in ClinVar:

ClinVar aggregate classification (germline): Uncertain significance (1 of 4 stars; one submission).

Conditions:
Leigh syndrome (NULS). Also called: Leigh's necrotizing encephalopathy; Leigh's disease; Leigh Syndrome (mtDNA deletion); Leigh Disease; Subacute necrotizing encephalopathy; Necrotizing encephalopathy infantile subacute of Leigh. Identifiers: Orphanet 506, MedGen C2931891, MONDO:0009723, OMIM 256000.

Submission:

Wong Mito Lab, Molecular and Human Genetics, Baylor College of Medicine
Classification: Uncertain significance for Leigh syndrome. Last evaluated: 2019-10-17. Review status: criteria provided, single submitter. Criteria: Modified ACMG Guidelines (Unpublished). Collection method: clinical testing. Allele origin: germline.
Comment: The NC_012920.1:m.4788G>A (YP_003024027.1:p.Gly107Ter) variant in MTND2 gene is interpretated to be a Uncertain Significance variant based on the modified ACMG guidelines (unpublished). This variant meets the following evidence codes: PP7

NC_012920.1(MT-ND2):m.4788G>A

Gene: MT-ND2 (mitochondrially encoded NADH dehydrogenase 2; plus strand).
Variant type: single nucleotide variant.
Genome position: chrM-4788-G-A.
Identifiers: ClinVar variation 692506 (VCV000692506.1), dbSNP rs1603219627, ClinGen allele CA414775781.